The following is an entry in ClinVar:

ClinVar aggregate classification (germline): Conflicting classifications of pathogenicity. Review status: criteria provided, conflicting classifications (1 of 4 stars). 2 submissions from 2 submitters: Uncertain significance (1); Likely benign (1). Last evaluated 2025-05-05.

Conditions:
POLD1-related polyposis and colorectal cancer syndrome (CRCS10). Also called: Colorectal cancer, susceptibility to, 10; Colorectal cancer 10; COLORECTAL CANCER, SUSCEPTIBILITY TO, ON CHROMOSOME 19q. Identifiers: Orphanet 220460, MedGen C2675481, MONDO:0012953, OMIM 612591.

Submissions (2):

Labcorp Genetics (formerly Invitae), Labcorp
Classification: Uncertain significance for POLD1-related polyposis and colorectal cancer syndrome. Last evaluated: 2025-05-05. Review status: criteria provided, single submitter. Criteria: Invitae Variant Classification Sherloc (09022015). Collection method: clinical testing. Allele origin: germline.
Comment: This sequence change falls in intron 25 of the POLD1 gene. It does not directly change the encoded amino acid sequence of the POLD1 protein. RNA analysis indicates that this variant induces altered splicing and likely disrupts the C-terminus of the protein. This variant is not present in population databases (gnomAD no frequency). This variant has not been reported in the literature in individuals affected with POLD1-related conditions. ClinVar contains an entry for this variant (Variation ID: 407973). Variants that disrupt the consensus splice site are a relatively common cause of aberrant splicing (PMID: 17576681, 9536098). Studies have shown that this variant results in skipping of exon 25 and introduces a new termination codon (internal data). However the mRNA is not expected to undergo nonsense-mediated decay. In summary, the available evidence is currently insufficient to determine the role of this variant in disease. Therefore, it has been classified as a Variant of Uncertain Significance.

GeneDx
Classification: Likely benign. Last evaluated: 2023-08-07. Review status: criteria provided, single submitter. Criteria: GeneDx Variant Classification Process June 2021. Collection method: clinical testing. Allele origin: germline. Affected: yes.
Comment: See Variant Classification Assertion Criteria.

Literature cited by the submitters: PubMed 17576681 (cited by Labcorp Genetics (formerly Invitae), Labcorp); PubMed 9536098 (cited by Labcorp Genetics (formerly Invitae), Labcorp).

NM_002691.4(POLD1):c.3120+6_3120+21del

Gene: POLD1 (DNA polymerase delta 1, catalytic subunit; plus strand). Cytogenetic location: 19q13.33.
Variant type: Deletion.
Coding change: c.3120+6_3120+21del on transcript NM_002691.4 (MANE Select); bases 6 to 21 of the intron after coding-DNA position 3120, 16 bases deleted (AGGGCCGGGAGGTGAG).
Molecular consequence: splice donor variant.
Genome position (GRCh38, 1-based): chr19:50,417,103-50,417,118, AGGGCCGGGAGGTGAG deleted; deleting any 16 consecutive bases within chr19:50,417,094-50,417,118 gives the same sequence; the c. name uses the placement nearest the transcript's 3' end. VCF-style (leftmost placement, unchanged base first): chr19-50417093-AGGAGGTGAGAGGGCCG-A. GRCh37 (hg19) VCF-style: chr19-50920350-AGGAGGTGAGAGGGCCG-A.
Other names: c.3120+6_3120+21del (LRG_785t1, NM_001256849.1); c.3198+6_3198+21del (LRG_785t2, NM_001308632.1); c.3120+6_3120+21delAGGGCCGGGAGGTGAG (NM_002691.3).
Identifiers: ClinVar variation 407973 (VCV000407973.7), dbSNP rs1064792944, ClinGen allele CA16616427.